The following is an entry in ClinVar:

NM_003072.5(SMARCA4):c.4091AGA[1] (p.Lys1365del)

Gene: SMARCA4 (SWI/SNF related BAF chromatin remodeling complex subunit ATPase 4; plus strand). Cytogenetic location: 19p13.2.
Variant type: Microsatellite.
Coding change: c.4091AGA[1] on transcript NM_003072.5 (MANE Select); one copy of the 3-base unit AGA starting at c.4091; the reference has two copies in a row; one copy, 3 bases deleted.
Protein change: p.Lys1365del; deletes lysine 1365.
Molecular consequence: inframe deletion. On other transcripts: non-coding transcript variant (1).
Genome position (GRCh38, 1-based): chr19:11,035,056-11,035,058, AGA deleted; deleting any 3 consecutive bases within chr19:11,035,053-11,035,058 gives the same sequence; the position shown is the placement nearest the transcript's 3' end. VCF-style (leftmost placement, unchanged base first): chr19-11035052-GAGA-G. GRCh37 (hg19) VCF-style: chr19-11145728-GAGA-G.
Other names: c.4091AGA[1], p.Lys1365del (NM_001128844.3, NM_001128849.3, NM_001387283.1); c.3992AGA[1], p.Lys1332del (NM_001128845.2, NM_001128846.2, NM_001128847.4 and 2 more transcripts); short protein forms K1332del, K1365del.
Identifiers: ClinVar variation 641701 (VCV000641701.9), dbSNP rs1600406755, ClinGen allele CA645613828.

ClinVar aggregate classification (germline): Uncertain significance. Review status: criteria provided, multiple submitters, no conflicts (2 of 4 stars). 2 submissions from 2 submitters: Uncertain significance (2). Last evaluated 2025-04-22.

Conditions:
Rhabdoid tumor predisposition syndrome 2 (RTPS2). Identifiers: Orphanet 231108, Orphanet 69077, MedGen C2750074, MONDO:0013224, OMIM 613325.
Hereditary cancer-predisposing syndrome. Also called: Neoplastic Syndromes, Hereditary; Tumor predisposition; Hereditary neoplastic syndrome; Hereditary Cancer Syndrome. Identifiers: Orphanet 140162, MedGen C0027672, MeSH D009386, MONDO:0015356.

Submissions (2):

Ambry Genetics
Classification: Uncertain significance for Hereditary cancer-predisposing syndrome. Last evaluated: 2025-04-22. Review status: criteria provided, single submitter. Criteria: Ambry Variant Classification Scheme 2023. Collection method: clinical testing. Allele origin: germline.
Comment: The c.4094_4096delAGA variant (also known as p.K1365del) is located in coding exon 28 of the SMARCA4 gene. This variant results from an in-frame AGA deletion at nucleotide positions 4094 to 4096. This results in the in-frame deletion of a lysine at codon 1365. This amino acid position is highly conserved in available vertebrate species. In addition, this alteration is predicted to be deleterious by in silico analysis (Choi Y et al. PLoS ONE. 2012; 7(10):e46688). Based on the available evidence, the clinical significance of this variant remains unclear.

Labcorp Genetics (formerly Invitae), Labcorp
Classification: Uncertain significance for Rhabdoid tumor predisposition syndrome 2. Last evaluated: 2023-12-11. Review status: criteria provided, single submitter. Criteria: Invitae Variant Classification Sherloc (09022015). Collection method: clinical testing. Allele origin: germline.
Comment: This variant, c.4094_4096del, results in the deletion of 1 amino acid(s) of the SMARCA4 protein (p.Lys1365del), but otherwise preserves the integrity of the reading frame. This variant is not present in population databases (gnomAD no frequency). This variant has not been reported in the literature in individuals affected with SMARCA4-related conditions. ClinVar contains an entry for this variant (Variation ID: 641701). Experimental studies and prediction algorithms are not available or were not evaluated, and the functional significance of this variant is currently unknown. In summary, the available evidence is currently insufficient to determine the role of this variant in disease. Therefore, it has been classified as a Variant of Uncertain Significance.